The following is an entry in ClinVar:

NM_018129.4(PNPO):c.178A>T (p.Lys60Ter)

Gene: PNPO (pyridoxamine 5'-phosphate oxidase; plus strand). Cytogenetic location: 17q21.32.
Variant type: single nucleotide variant.
Coding change: c.178A>T on transcript NM_018129.4 (MANE Select); coding-DNA position 178, A replaced by T.
Protein change: p.Lys60Ter; replaces lysine 60 with a stop codon.
Molecular consequence: nonsense.
Genome position (GRCh38, 1-based): chr17:47,943,345, A>T. VCF-style: chr17-47943345-A-T. GRCh37 (hg19) VCF-style: chr17-46020711-A-T.
Other names: short protein forms K60*.
Identifiers: ClinVar variation 1323480 (VCV001323480.9), dbSNP rs751477334, ClinGen allele CA8629119.

ClinVar aggregate classification (germline): Pathogenic. Review status: criteria provided, multiple submitters, no conflicts (2 of 4 stars). 2 submissions from 2 submitters: Pathogenic (2). Last evaluated 2022-03-17.

Conditions:
Pyridoxal phosphate-responsive seizures (PNPOD). Also called: Pyridoxamine 5-Prime-Phosphate Oxidase Deficiency; Pyridoxine-5'-phosphate oxidase deficiency; SEIZURES, PYRIDOXINE-RESISTANT, PLP-SENSITIVE; Pyridoxal 5'-Phosphate (PLP)-Dependent Epilepsy; EPILEPTIC ENCEPHALOPATHY, NEONATAL, PNPO-RELATED. Identifiers: Orphanet 79096, MedGen C1864723, MONDO:0012407, OMIM 610090. Disease mechanism: loss of function.

Allele frequency attached by ClinVar (database versions not stated): ExAC 0.00002; gnomAD exomes 0.00001.

Submissions (2):

Labcorp Genetics (formerly Invitae), Labcorp
Classification: Pathogenic for Pyridoxal phosphate-responsive seizures. Last evaluated: 2022-03-17. Review status: criteria provided, single submitter. Criteria: Invitae Variant Classification Sherloc (09022015). Collection method: clinical testing. Allele origin: germline.
Comment: For these reasons, this variant has been classified as Pathogenic. ClinVar contains an entry for this variant (Variation ID: 1323480). This variant has not been reported in the literature in individuals affected with PNPO-related conditions. This variant is present in population databases (rs751477334, gnomAD 0.006%). This sequence change creates a premature translational stop signal (p.Lys60*) in the PNPO gene. It is expected to result in an absent or disrupted protein product. Loss-of-function variants in PNPO are known to be pathogenic (PMID: 15772097, 24645144).

Revvity Omics, Revvity
Classification: Pathogenic for Pyridoxal phosphate-responsive seizures. Last evaluated: 2019-12-24. Review status: criteria provided, single submitter. Criteria: ACMG Guidelines, 2015. Collection method: clinical testing. Allele origin: germline.

Literature cited by the submitters: PubMed 15772097 (cited by Labcorp Genetics (formerly Invitae), Labcorp); PubMed 24645144 (cited by Labcorp Genetics (formerly Invitae), Labcorp).